The following is an entry in ClinVar:

NM_000051.4(ATM):c.4966A>C (p.Lys1656Gln)

Gene: ATM (ATM serine/threonine kinase; plus strand). Cytogenetic location: 11q22.3.
Variant type: single nucleotide variant.
Coding change: c.4966A>C on transcript NM_000051.4 (MANE Select); coding-DNA position 4966, A replaced by C.
Protein change: p.Lys1656Gln; replaces lysine 1656 with glutamine.
Molecular consequence: missense variant.
Genome position (GRCh38, 1-based): chr11:108,297,343, A>C. VCF-style: chr11-108297343-A-C. GRCh37 (hg19) VCF-style: chr11-108168070-A-C.
Other names: c.4966A>C, p.Lys1656Gln (NM_001351834.2); short protein forms K1656Q.
Identifiers: ClinVar variation 825330 (VCV000825330.4), dbSNP rs1565470010, ClinGen allele CA382538359.

ClinVar aggregate classification (germline): Uncertain significance (1 of 4 stars; one submission).

Conditions:
Hereditary cancer-predisposing syndrome. Also called: Neoplastic Syndromes, Hereditary; Tumor predisposition; Hereditary neoplastic syndrome; Hereditary Cancer Syndrome. Identifiers: Orphanet 140162, MedGen C0027672, MeSH D009386, MONDO:0015356.

Submission:

Ambry Genetics
Classification: Uncertain significance for Hereditary cancer-predisposing syndrome. Last evaluated: 2019-02-27. Review status: criteria provided, single submitter. Criteria: Ambry Variant Classification Scheme 2023. Collection method: clinical testing. Allele origin: germline.
Comment: The p.K1656Q variant (also known as c.4966A>C), located in coding exon 32 of the ATM gene, results from an A to C substitution at nucleotide position 4966. The lysine at codon 1656 is replaced by glutamine, an amino acid with similar properties. This amino acid position is highly conserved in available vertebrate species. In addition, the in silico prediction for this alteration is inconclusive. Since supporting evidence is limited at this time, the clinical significance of this alteration remains unclear.